The following is an entry in ClinVar:

NM_000257.4(MYH7):c.4525A>C (p.Ile1509Leu)

Genes: MHRT (myosin heavy chain associated RNA transcript; plus strand), MYH7 (myosin heavy chain 7; minus strand). Cytogenetic location: 14q11.2.
Variant type: single nucleotide variant.
Coding change: c.4525A>C on transcript NM_000257.4 (MANE Select); coding-DNA position 4525, A replaced by C.
Protein change: p.Ile1509Leu; replaces isoleucine 1509 with leucine.
Molecular consequence: missense variant. On other transcripts: non-coding transcript variant (1).
Genome position (GRCh38, 1-based): chr14:23,416,987, T>G on the plus strand (A>C on the coding strand, the complement: MYH7 is on the minus strand). VCF-style: chr14-23416987-T-G. GRCh37 (hg19) VCF-style: chr14-23886196-T-G.
Other names: short protein forms I1509L.
Identifiers: ClinVar variation 43024 (VCV000043024.25), dbSNP rs397516221, ClinGen allele CA015074.

ClinVar aggregate classification (germline): Conflicting classifications of pathogenicity. Review status: criteria provided, conflicting classifications (1 of 4 stars). 10 submissions from 7 submitters: Uncertain significance (8); Likely benign (1). 1 of the submissions does not count toward it. Last evaluated 2025-12-26.

Conditions:
Myosin storage myopathy (CMYO7A). Also called: MYOPATHY WITH LYSIS OF TYPE I MYOFIBRILS; MYOPATHY, HYALINE BODY, AUTOSOMAL DOMINANT; MYH7-related late-onset scapuloperoneal muscular dystrophy; Congenital myopathy 7A, myosin storage, autosomal dominant; SCAPULOPERONEAL MUSCULAR DYSTROPHY; SCAPULOPERONEAL SYNDROME, MYOPATHIC TYPE. Identifiers: Orphanet 437572, Orphanet 636965, MedGen C1842160, MONDO:0008409, OMIM 608358.
Cardiovascular phenotype. Identifiers: MedGen CN230736.
Cardiomyopathy (CMYO). Also called: Cardiomyopathies. Identifiers: Orphanet 167848, MedGen C0878544, MONDO:0004994, HP:0001638. Inheritance: Various modes of inheritance.
Hypertrophic cardiomyopathy 1 (CMH1). Also called: MYH7-Related Familial Hypertrophic Cardiomyopathy; Familial hypertrophic cardiomyopathy 1. Identifiers: MedGen C3495498, MONDO:0008647, OMIM 192600.
MYH7-related skeletal myopathy. Also called: Myopathy, distal, 1; Laing distal myopathy; Laing early-onset distal myopathy; MYOPATHY, DISTAL, EARLY-ONSET, AUTOSOMAL DOMINANT; MYOPATHY, LATE DISTAL HEREDITARY. Identifiers: Orphanet 59135, MedGen C4552004, MONDO:0008050, OMIM 160500.
Dilated cardiomyopathy 1S (CMD1S). Identifiers: Orphanet 154, Orphanet 54260, MedGen C1834481, MONDO:0013262, OMIM 613426.
Hypertrophic cardiomyopathy. Also called: HYPERTROPHIC MYOCARDIOPATHY. Identifiers: Orphanet 217569, MedGen C0007194, MeSH D002312, MONDO:0005045, HP:0001639.

Allele frequency attached by ClinVar (database versions not stated): gnomAD 0.00001; gnomAD exomes 0.00001; TOPMed 0.00001; ExAC 0.00002.
gnomAD v4.1: 17 of 1,614,090 alleles (0.0011%); highest among the groups gnomAD compares: Non-Finnish European, 0.0014%; no homozygotes.

Submissions (10):

Labcorp Genetics (formerly Invitae), Labcorp
Classification: Uncertain significance for Hypertrophic cardiomyopathy. Last evaluated: 2025-12-26. Review status: criteria provided, single submitter. Criteria: Invitae Variant Classification Sherloc (09022015). Collection method: clinical testing. Allele origin: germline.
Comment: This sequence change replaces isoleucine, which is neutral and non-polar, with leucine, which is neutral and non-polar, at codon 1509 of the MYH7 protein (p.Ile1509Leu). This variant is present in population databases (rs397516221, gnomAD 0.0009%). This missense change has been observed in individual(s) with hypertrophic cardiomyopathy (PMID: 25611685, 27532257). ClinVar contains an entry for this variant (Variation ID: 43024). Invitae Evidence Modeling of protein sequence and biophysical properties (such as structural, functional, and spatial information, amino acid conservation, physicochemical variation, residue mobility, and thermodynamic stability) has been performed for this missense variant. However, the output from this modeling did not meet the statistical confidence thresholds required to predict the impact of this variant on MYH7 protein function. In summary, the available evidence is currently insufficient to determine the role of this variant in disease. Therefore, it has been classified as a Variant of Uncertain Significance.

Color Diagnostics, LLC DBA Color Health
Classification: Uncertain significance for Cardiomyopathy. Last evaluated: 2024-07-26. Review status: criteria provided, single submitter. Criteria: ACMG Guidelines, 2015. Collection method: clinical testing. Allele origin: germline.
Comment: This missense variant replaces isoleucine with leucine at codon 1509 of the MYH7 protein. Computational prediction tools indicate that this variant has a neutral impact on protein structure and function. To our knowledge, functional studies have not been reported for this variant. This variant has been reported in an individual affected with hypertrophic cardiomyopathy (PMID: 25611685, 27532257). This variant has been identified in 2/251488 chromosomes in the general population by the Genome Aggregation Database (gnomAD). The available evidence is insufficient to determine the role of this variant in disease conclusively. Therefore, this variant is classified as a Variant of Uncertain Significance.

All of Us Research Program, National Institutes of Health
Classification: Uncertain significance for Cardiomyopathy. Last evaluated: 2023-12-13. Review status: criteria provided, single submitter. Criteria: ACMG Guidelines, 2015. Collection method: clinical testing. Allele origin: germline. Inheritance: Autosomal dominant inheritance. Observed: 8 variant alleles, 8 heterozygotes.
Comment: This missense variant replaces isoleucine with leucine at codon 1509 of the MYH7 protein. Computational prediction suggests that this variant may not impact protein structure and function (internally defined REVEL score threshold <= 0.5, PMID: 27666373). To our knowledge, functional studies have not been reported for this variant. This variant has been reported in an individual affected with hypertrophic cardiomyopathy (PMID: 25611685, 27532257). This variant has been identified in 2/251488 chromosomes in the general population by the Genome Aggregation Database (gnomAD). The available evidence is insufficient to determine the role of this variant in disease conclusively. Therefore, this variant is classified as a Variant of Uncertain Significance.

This study involves interpretation of variants in research participants for the purpose of population health screening. Participant phenotype was not available at the time of variant classification. Additional details can be found in publication PMID: 35346344, PMCID: PMC8962531

Blueprint Genetics
Classification: Uncertain significance. Last evaluated: 2023-04-26. Review status: criteria provided, single submitter. Criteria: ACMG Guidelines, 2015. Collection method: clinical testing. Allele origin: germline.

Ambry Genetics
Classification: Uncertain significance for Cardiovascular phenotype. Last evaluated: 2020-09-21. Review status: criteria provided, single submitter. Criteria: Ambry Variant Classification Scheme 2023. Collection method: clinical testing. Allele origin: germline.

Illumina Laboratory Services, Illumina
Classification: Uncertain significance for Hypertrophic cardiomyopathy 1. Last evaluated: 2017-04-27. Review status: criteria provided, single submitter. Criteria: ICSL Variant Classification Criteria 13 December 2019. Collection method: clinical testing. Allele origin: germline.

Illumina Laboratory Services, Illumina
Classification: Uncertain significance for Dilated cardiomyopathy 1S. Last evaluated: 2017-04-27. Review status: criteria provided, single submitter. Criteria: ICSL Variant Classification Criteria 13 December 2019. Collection method: clinical testing. Allele origin: germline.

Illumina Laboratory Services, Illumina
Classification: Uncertain significance for Myosin storage myopathy. Last evaluated: 2017-04-27. Review status: criteria provided, single submitter. Criteria: ICSL Variant Classification Criteria 13 December 2019. Collection method: clinical testing. Allele origin: germline.

Illumina Laboratory Services, Illumina
Classification: Likely benign for MYH7-related skeletal myopathy. Last evaluated: 2017-04-27. Review status: criteria provided, single submitter. Criteria: ICSL Variant Classification Criteria 13 December 2019. Collection method: clinical testing. Allele origin: germline.
Comment: This variant was observed as part of a predisposition screen in an ostensibly healthy population. A literature search was performed for the gene, cDNA change, and amino acid change (where applicable). No publications were found based on this search. Allele frequency data from public databases allowed determination this variant is unlikely to cause disease. Therefore, this variant is classified as likely benign.

Laboratory for Molecular Medicine, Mass General Brigham Personalized Medicine
Classification: Uncertain significance. Last evaluated: 2008-03-01. Review status: no assertion criteria provided. Collection method: clinical testing. Allele origin: germline. Observed: 3 variant alleles. Not counted in ClinVar's aggregate classification.

Literature cited by the submitters: PubMed 25611685 (cited by 3 submitters); PubMed 27532257 (cited by 3 submitters).